The following is an entry in ClinVar:

NM_001174147.2(LMX1B):c.376G>A (p.Glu126Lys)

Gene: LMX1B (LIM homeobox transcription factor 1 beta; plus strand). Cytogenetic location: 9q33.3.
Variant type: single nucleotide variant.
Coding change: c.376G>A on transcript NM_001174147.2 (MANE Select); coding-DNA position 376, G replaced by A.
Protein change: p.Glu126Lys; replaces glutamic acid 126 with lysine.
Molecular consequence: missense variant.
Genome position (GRCh38, 1-based): chr9:126,690,885, G>A. VCF-style: chr9-126690885-G-A. GRCh37 (hg19) VCF-style: chr9-129453164-G-A.
Other names: c.376G>A, p.Glu126Lys (NM_001174146.2, NM_002316.4); short protein forms E126K.
Identifiers: ClinVar variation 1010825 (VCV001010825.8), dbSNP rs761336753, ClinGen allele CA5242304.
Genomic context (GRCh38, chr9:126,690,885, plus strand): 5'-TGCATCCGCAGGCTCTTCGCGGCCAAGTGCAGCGGCTGCATGGAGAAGATCGCCCCCACC[G>A]AGTTCGTGATGCGGGCGCTGGAGTGCGTGTACCACCTGGGCTGCTTCTGCTGCTGCGTGT-3'
Protein context (NP_001167618.1, residues 116-136): SGCMEKIAPT[Glu126Lys]FVMRALECVY

ClinVar aggregate classification (germline): Uncertain significance (1 of 4 stars; one submission).

Allele frequency attached by ClinVar (database versions not stated): ExAC 0.00001; gnomAD exomes 0.00001.
gnomAD v4.1: 2 of 1,613,766 alleles (0.00012%); highest among the groups gnomAD compares: South Asian, 0.0011%; no homozygotes.

Submission:

Labcorp Genetics (formerly Invitae), Labcorp
Classification: Uncertain significance. Last evaluated: 2020-10-15. Review status: criteria provided, single submitter. Criteria: Invitae Variant Classification Sherloc (09022015). Collection method: clinical testing. Allele origin: germline.
Comment: In summary, the available evidence is currently insufficient to determine the role of this variant in disease. Therefore, it has been classified as a Variant of Uncertain Significance. Algorithms developed to predict the effect of missense changes on protein structure and function are either unavailable or do not agree on the potential impact of this missense change (SIFT: "Deleterious"; PolyPhen-2: "Probably Damaging"; Align-GVGD: "Class C0"). This variant has not been reported in the literature in individuals with LMX1B-related conditions. This variant is present in population databases (rs761336753, ExAC 0.006%). This sequence change replaces glutamic acid with lysine at codon 126 of the LMX1B protein (p.Glu126Lys). The glutamic acid residue is highly conserved and there is a small physicochemical difference between glutamic acid and lysine.